The following is an entry in ClinVar:

NM_001101362.3(KBTBD13):c.471C>G (p.Tyr157Ter)

Gene: KBTBD13 (kelch repeat and BTB domain containing 13; plus strand). Cytogenetic location: 15q22.31.
Variant type: single nucleotide variant.
Coding change: c.471C>G on transcript NM_001101362.3 (MANE Select); coding-DNA position 471, C replaced by G.
Protein change: p.Tyr157Ter; replaces tyrosine 157 with a stop codon.
Molecular consequence: nonsense.
Genome position (GRCh38, 1-based): chr15:65,077,286, C>G. VCF-style: chr15-65077286-C-G. GRCh37 (hg19) VCF-style: chr15-65369624-C-G.
Other names: short protein forms Y157*.
Identifiers: ClinVar variation 1477761 (VCV001477761.6), dbSNP rs550724858, ClinGen allele CA392860959.
Genomic context (GRCh38, chr15:65,077,286, plus strand): 5'-GGCCGAACTGGCGCTGCCTGAGGCCCGCGCCTACGTGGCGGCCCTGCGGCCCAGCAGCTA[C>G]GCGGCCGTGAGCACGCACACGCCCGCGCCCGGCTTCCTGGAGGACGCCTCGCGCACGCTG-3'

ClinVar aggregate classification (germline): Uncertain significance (1 of 4 stars; one submission).

Conditions:
Nemaline myopathy 6 (NEM6). Also called: Nemaline myopathy 6, autosomal dominant. Identifiers: Orphanet 171439, MedGen C1836472, MONDO:0012237, OMIM 609273.

Submission:

Labcorp Genetics (formerly Invitae), Labcorp
Classification: Uncertain significance for Nemaline myopathy 6. Last evaluated: 2025-04-11. Review status: criteria provided, single submitter. Criteria: Invitae Variant Classification Sherloc (09022015). Collection method: clinical testing. Allele origin: germline.
Comment: This sequence change creates a premature translational stop signal (p.Tyr157*) in the KBTBD13 gene. While this is not anticipated to result in nonsense mediated decay, it is expected to disrupt the last 302 amino acid(s) of the KBTBD13 protein. This variant is not present in population databases (gnomAD no frequency). This variant has not been reported in the literature in individuals affected with KBTBD13-related conditions. ClinVar contains an entry for this variant (Variation ID: 1477761). In summary, the available evidence is currently insufficient to determine the role of this variant in disease. Therefore, it has been classified as a Variant of Uncertain Significance.